The following is an entry in ClinVar:

Conditions:
Long QT syndrome 5 (LQT5). Identifiers: Orphanet 101016, Orphanet 768, MedGen C1867904, MONDO:0013372, OMIM 613695.

Submission:

Roden Lab, Vanderbilt University Medical Center
No classification provided (evidence only). Condition: Long QT syndrome 5. Review status: no classification provided. Collection method: in vitro. Allele origin: not applicable. Functional consequence: Effect on ion channel function.
ClinVar note: "not provided" was previously submitted as the classification for the variant. However, the classification appeared to be based only on an observation of functional data so it was converted to no classification on 2025-07-30.

NM_000219.6(KCNE1):c.276G>T (p.Lys92Asn)

Gene: KCNE1 (potassium voltage-gated channel subfamily E regulatory subunit 1; minus strand). Cytogenetic location: 21q22.12.
Variant type: single nucleotide variant.
Coding change: c.276G>T on transcript NM_000219.6 (MANE Select); coding-DNA position 276, G replaced by T.
Protein change: p.Lys92Asn; replaces lysine 92 with asparagine.
Molecular consequence: missense variant.
Genome position (GRCh38, 1-based): chr21:34,449,359, C>A on the plus strand (G>T on the coding strand, the complement: KCNE1 is on the minus strand). VCF-style: chr21-34449359-C-A. GRCh37 (hg19) VCF-style: chr21-35821657-C-A.
Other names: c.276G>T, p.Lys92Asn (NM_001127668.4, NM_001127669.4, NM_001127670.4 and 4 more transcripts); short protein forms K92N.
Identifiers: ClinVar variation 3374509 (VCV003374509.2).